The following is an entry in ClinVar:

ClinVar aggregate classification (germline): Uncertain significance (1 of 4 stars; one submission).

Conditions:
Oligodontia-cancer predisposition syndrome. Also called: TOOTH AGENESIS-COLORECTAL CANCER SYNDROME. Identifiers: Orphanet 300576, MedGen C1837750, MONDO:0012075, OMIM 608615. Disease mechanism: loss of function.

Submission:

Labcorp Genetics (formerly Invitae), Labcorp
Classification: Uncertain significance for Oligodontia-cancer predisposition syndrome. Last evaluated: 2022-08-31. Review status: criteria provided, single submitter. Criteria: Invitae Variant Classification Sherloc (09022015). Collection method: clinical testing. Allele origin: germline.
Comment: This variant has not been reported in the literature in individuals affected with AXIN2-related conditions. This variant is not present in population databases (gnomAD no frequency). This sequence change replaces isoleucine, which is neutral and non-polar, with methionine, which is neutral and non-polar, at codon 398 of the AXIN2 protein (p.Ile398Met). Algorithms developed to predict the effect of missense changes on protein structure and function output the following: SIFT: "Deleterious"; PolyPhen-2: "Benign"; Align-GVGD: "Class C0". The methionine amino acid residue is found in multiple mammalian species, which suggests that this missense change does not adversely affect protein function. In summary, the available evidence is currently insufficient to determine the role of this variant in disease. Therefore, it has been classified as a Variant of Uncertain Significance.

NM_004655.4(AXIN2):c.1194C>G (p.Ile398Met)

Gene: AXIN2 (axin 2; minus strand). Cytogenetic location: 17q24.1.
Variant type: single nucleotide variant.
Coding change: c.1194C>G on transcript NM_004655.4 (MANE Select); coding-DNA position 1194, C replaced by G.
Protein change: p.Ile398Met; replaces isoleucine 398 with methionine.
Molecular consequence: missense variant.
Genome position (GRCh38, 1-based): chr17:65,538,209, G>C on the plus strand (C>G on the coding strand, the complement: AXIN2 is on the minus strand). VCF-style: chr17-65538209-G-C. GRCh37 (hg19) VCF-style: chr17-63534327-G-C.
Other names: c.1194C>G, p.Ile398Met (NM_001363813.1); short protein forms I398M.
Identifiers: ClinVar variation 1718438 (VCV001718438.5), dbSNP rs948958592, ClinGen allele CA293098922.